The following is an entry in ClinVar:

ClinVar aggregate classification (germline): Uncertain significance (1 of 4 stars; one submission).

Submission:

Labcorp Genetics (formerly Invitae), Labcorp
Classification: Uncertain significance. Last evaluated: 2022-01-06. Review status: criteria provided, single submitter. Criteria: Invitae Variant Classification Sherloc (09022015). Collection method: clinical testing. Allele origin: germline.
Comment: This sequence change falls in intron 3 of the FSCN2 gene. It does not directly change the encoded amino acid sequence of the FSCN2 protein. It affects a nucleotide within the consensus splice site. This variant is not present in population databases (gnomAD no frequency). This variant has not been reported in the literature in individuals affected with FSCN2-related conditions. ClinVar contains an entry for this variant (Variation ID: 1053603). Variants that disrupt the consensus splice site are a relatively common cause of aberrant splicing (PMID: 17576681, 9536098). Algorithms developed to predict the effect of sequence changes on RNA splicing suggest that this variant is not likely to affect RNA splicing. In summary, the available evidence is currently insufficient to determine the role of this variant in disease. Therefore, it has been classified as a Variant of Uncertain Significance.

Literature cited by the submitters: PubMed 17576681; PubMed 9536098.

NM_012418.4(FSCN2):c.1105+6C>A

Gene: FSCN2 (fascin actin-bundling protein 2, retinal; plus strand). Cytogenetic location: 17q25.3.
Variant type: single nucleotide variant.
Coding change: c.1105+6C>A on transcript NM_012418.4 (MANE Select); 6 bases into the intron after coding-DNA position 1105, C replaced by A.
Molecular consequence: intron variant.
Genome position (GRCh38, 1-based): chr17:81,536,273, C>A. VCF-style: chr17-81536273-C-A. GRCh37 (hg19) VCF-style: chr17-79503299-C-A.
Other names: c.1105+6C>A (NM_001077182.3).
Identifiers: ClinVar variation 1053603 (VCV001053603.7), dbSNP rs1482054392, ClinGen allele CA2499225033.